The following is an entry in ClinVar:

ClinVar aggregate classification (germline): Uncertain significance (1 of 4 stars; one submission).

Conditions:
Hereditary cancer-predisposing syndrome. Also called: Hereditary neoplastic syndrome; Neoplastic Syndromes, Hereditary; Tumor predisposition; Hereditary Cancer Syndrome. Identifiers: Orphanet 140162, MedGen C0027672, MeSH D009386, MONDO:0015356.

gnomAD v4.1: 1 of 1,613,532 alleles (0.000062%); highest among the groups gnomAD compares: South Asian, 0.0011%; no homozygotes.

Submission:

Ambry Genetics
Classification: Uncertain significance for Hereditary cancer-predisposing syndrome. Last evaluated: 2025-06-28. Review status: criteria provided, single submitter. Criteria: Ambry Variant Classification Scheme 2023. Collection method: clinical testing. Allele origin: germline.
Comment: The p.L493P variant (also known as c.1478T>C), located in coding exon 15 of the POLE gene, results from a T to C substitution at nucleotide position 1478. The leucine at codon 493 is replaced by proline, an amino acid with similar properties. This amino acid position is conserved. In addition, this alteration is predicted to be deleterious by in silico analysis. Based on the available evidence, the clinical significance of this variant remains unclear.

NM_006231.4(POLE):c.1478T>C (p.Leu493Pro)

Gene: POLE (DNA polymerase epsilon, catalytic subunit; minus strand). Cytogenetic location: 12q24.33.
Variant type: single nucleotide variant.
Coding change: c.1478T>C on transcript NM_006231.4 (MANE Select); coding-DNA position 1478, T replaced by C.
Protein change: p.Leu493Pro; replaces leucine 493 with proline.
Molecular consequence: missense variant.
Genome position (GRCh38, 1-based): chr12:132,672,835, A>G on the plus strand (T>C on the coding strand, the complement: POLE is on the minus strand). VCF-style: chr12-132672835-A-G. GRCh37 (hg19) VCF-style: chr12-133249421-A-G.
Other names: short protein forms L493P.
Identifiers: ClinVar variation 4141141 (VCV004141141.1).